The following is an entry in ClinVar:

ClinVar aggregate classification (germline): Uncertain significance (0 of 4 stars; one submission).

Conditions:
SEMA3C-related disorder. Also called: SEMA3C-related condition.

gnomAD v4.1: 12 of 1,613,892 alleles (0.00074%); highest among the groups gnomAD compares: African/African-American, 0.0027%; no homozygotes.

Submission:

PreventionGenetics, part of Exact Sciences
Classification: Uncertain significance for SEMA3C-related condition. Last evaluated: 2024-02-15. Review status: no assertion criteria provided. Collection method: clinical testing. Allele origin: germline.
Comment: The SEMA3C c.2191C>G variant is predicted to result in the amino acid substitution p.Arg731Gly. To our knowledge, this variant has not been reported in the literature. This variant is reported in 0.0026% of alleles in individuals of European (Non-Finnish) descent in gnomAD. At this time, the clinical significance of this variant is uncertain due to the absence of conclusive functional and genetic evidence.

NM_006379.5(SEMA3C):c.2137C>G (p.Arg713Gly)

Gene: SEMA3C (semaphorin 3C; minus strand). Cytogenetic location: 7q21.11.
Variant type: single nucleotide variant.
Coding change: c.2137C>G on transcript NM_006379.5 (MANE Select); coding-DNA position 2137, C replaced by G.
Protein change: p.Arg713Gly; replaces arginine 713 with glycine.
Molecular consequence: missense variant.
Genome position (GRCh38, 1-based): chr7:80,745,013, G>C on the plus strand (C>G on the coding strand, the complement: SEMA3C is on the minus strand). VCF-style: chr7-80745013-G-C. GRCh37 (hg19) VCF-style: chr7-80374329-G-C.
Other names: c.2191C>G, p.Arg731Gly (NM_001350120.2); c.1963C>G, p.Arg655Gly (NM_001350121.2); short protein forms R731G, R655G, R713G.
Identifiers: ClinVar variation 3354936 (VCV003354936.1).